The following is an entry in ClinVar:

NM_001164508.2(NEB):c.12747+2T>C

Gene: NEB (nebulin; minus strand). Cytogenetic location: 2q23.3.
Variant type: single nucleotide variant.
Coding change: c.12747+2T>C on transcript NM_001164508.2 (MANE Select); the canonical splice donor site of the intron after coding-DNA position 12747, T replaced by C.
Molecular consequence: splice donor variant. On other transcripts: intron variant (1).
Genome position (GRCh38, 1-based): chr2:151,606,604, A>G on the plus strand (T>C on the coding strand, the complement: NEB is on the minus strand). VCF-style: chr2-151606604-A-G. GRCh37 (hg19) VCF-style: chr2-152463118-A-G.
Other names: c.11601+3205T>C (NM_004543.5); c.12747+2T>C (NM_001164507.2, NM_001271208.2).
Identifiers: ClinVar variation 2746529 (VCV002746529.3), dbSNP rs2552225112, ClinGen allele CA348774186.

ClinVar aggregate classification (germline): Likely pathogenic (1 of 4 stars; one submission).

Conditions:
Nemaline myopathy 2 (NEM2). Also called: Nemaline myopathy 2, autosomal recessive. Identifiers: MedGen C1850569, MONDO:0009725, OMIM 256030.

Submission:

Labcorp Genetics (formerly Invitae), Labcorp
Classification: Likely pathogenic for Nemaline myopathy 2. Last evaluated: 2023-07-25. Review status: criteria provided, single submitter. Criteria: Invitae Variant Classification Sherloc (09022015). Collection method: clinical testing. Allele origin: germline.
Comment: This variant occurs in a region of NEB (Exons 82-105) consisting of three highly homologous 8-exon repeat units (exons 82-89, exons 90-97, exons 98-105). Sequence variants in this region can be detected, but this assay cannot determine which of the three repeat units is affected, and zygosity is often ambiguous. All variants in this region are reported relative to the exon 82-89 repeat. In summary, the currently available evidence indicates that the variant is pathogenic, but additional data are needed to prove that conclusively. Therefore, this variant has been classified as Likely Pathogenic. Algorithms developed to predict the effect of sequence changes on RNA splicing suggest that this variant may disrupt the consensus splice site. This variant has not been reported in the literature in individuals affected with NEB-related conditions. The frequency data for this variant in the population databases (gnomAD) is considered unreliable due to the presence of homologous sequence, such as pseudogenes or paralogs, in the genome. This sequence change affects a donor splice site in intron 84 of the NEB gene. It is expected to disrupt RNA splicing. Variants that disrupt the donor or acceptor splice site typically lead to a loss of protein function (PMID: 16199547), and loss-of-function variants in NEB are known to be pathogenic (PMID: 25205138).

Literature cited by the submitters: PubMed 16199547; PubMed 25205138.